The following is an entry in ClinVar:

NM_182914.3(SYNE2):c.8512A>G (p.Asn2838Asp)

Gene: SYNE2 (spectrin repeat containing nuclear envelope protein 2; plus strand). Cytogenetic location: 14q23.2.
Variant type: single nucleotide variant.
Coding change: c.8512A>G on transcript NM_182914.3 (MANE Select); coding-DNA position 8512, A replaced by G.
Protein change: p.Asn2838Asp; replaces asparagine 2838 with aspartic acid.
Molecular consequence: missense variant.
Genome position (GRCh38, 1-based): chr14:64,052,425, A>G. VCF-style: chr14-64052425-A-G. GRCh37 (hg19) VCF-style: chr14-64519143-A-G.
Other names: c.8512A>G, p.Asn2838Asp (NM_015180.6); short protein forms N2838D.
Identifiers: ClinVar variation 1503111 (VCV001503111.6), dbSNP rs2153576715, ClinGen allele CA389967790.

ClinVar aggregate classification (germline): Uncertain significance (1 of 4 stars; one submission).

Conditions:
Emery-Dreifuss muscular dystrophy 5, autosomal dominant (EDMD5). Also called: EMERY-DREIFUSS MUSCULAR DYSTROPHY 5. Identifiers: Orphanet 261, MedGen C2751805, MONDO:0013072, OMIM 612999.

gnomAD v4.1: 2 of 1,613,014 alleles (0.00012%); highest among the groups gnomAD compares: Non-Finnish European, 0.00017%; no homozygotes.

Submission:

Labcorp Genetics (formerly Invitae), Labcorp
Classification: Uncertain significance for Emery-Dreifuss muscular dystrophy 5, autosomal dominant. Last evaluated: 2026-01-11. Review status: criteria provided, single submitter. Criteria: Invitae Variant Classification Sherloc (09022015). Collection method: clinical testing. Allele origin: germline.
Comment: This sequence change replaces asparagine, which is neutral and polar, with aspartic acid, which is acidic and polar, at codon 2838 of the SYNE2 protein (p.Asn2838Asp). This variant is not present in population databases (gnomAD no frequency). This variant has not been reported in the literature in individuals affected with SYNE2-related conditions. ClinVar contains an entry for this variant (Variation ID: 1503111). An algorithm developed to predict the effect of missense changes on protein structure and function (PolyPhen-2) suggests that this variant is likely to be tolerated. In summary, the available evidence is currently insufficient to determine the role of this variant in disease. Therefore, it has been classified as a Variant of Uncertain Significance.